The following is an entry in ClinVar:

NM_023110.3(FGFR1):c.1666C>T (p.Pro556Ser)

Gene: FGFR1 (fibroblast growth factor receptor 1; minus strand). Cytogenetic location: 8p11.23.
Variant type: single nucleotide variant.
Coding change: c.1666C>T on transcript NM_023110.3 (MANE Select); coding-DNA position 1666, C replaced by T.
Protein change: p.Pro556Ser; replaces proline 556 with serine.
Molecular consequence: missense variant.
Genome position (GRCh38, 1-based): chr8:38,416,058, G>A on the plus strand (C>T on the coding strand, the complement: FGFR1 is on the minus strand). VCF-style: chr8-38416058-G-A. GRCh37 (hg19) VCF-style: chr8-38273576-G-A.
Other names: c.1660C>T, p.Pro554Ser (NM_001174063.2, NM_001174065.2, NM_001354367.2 and 1 more transcripts); c.1636C>T, p.Pro546Ser (NM_001174064.2); c.1399C>T, p.Pro467Ser (NM_001174066.2, NM_023105.3); c.1759C>T, p.Pro587Ser (NM_001174067.2); c.1387C>T, p.Pro463Ser (NM_001354368.2); c.1654C>T, p.Pro552Ser (NM_001354369.2, NM_001410922.1); c.1393C>T, p.Pro465Ser (NM_001354370.2, NM_023106.3); short protein forms P556S, P463S, P467S, P587S, P465S, P546S, P552S, P554S.
Identifiers: ClinVar variation 4784081 (VCV004784081.1).

ClinVar aggregate classification (germline): Uncertain significance (1 of 4 stars; one submission).

Conditions:
Hypogonadotropic hypogonadism 2 with or without anosmia (HH2). Also called: HYPOGONADOTROPIC HYPOGONADISM 2 WITHOUT ANOSMIA; HYPOGONADOTROPIC HYPOGONADISM 2 WITH OR WITHOUT ANOSMIA, SUSCEPTIBILITY TO; HYPOGONADOTROPIC HYPOGONADISM 2 WITHOUT ANOSMIA, SUSCEPTIBILITY TO; FGFR1-Related GnRH Deficiency (Kallmann Syndrome 2). Identifiers: Orphanet 478, MedGen C1563720, MONDO:0007844, OMIM 147950. Disease mechanism: loss of function.
Pfeiffer syndrome (ACS5). Also called: ACS V. Identifiers: Orphanet 710, MedGen C0220658, MONDO:0007043, OMIM 101600.

Submission:

Labcorp Genetics (formerly Invitae), Labcorp
Classification: Uncertain significance for Pfeiffer syndrome; Hypogonadotropic hypogonadism 2 with or without anosmia. Last evaluated: 2025-02-06. Review status: criteria provided, single submitter. Criteria: Invitae Variant Classification Sherloc (09022015). Collection method: clinical testing. Allele origin: germline.
Comment: This sequence change replaces proline, which is neutral and non-polar, with serine, which is neutral and polar, at codon 556 of the FGFR1 protein (p.Pro556Ser). This variant is not present in population databases (gnomAD no frequency). This variant has not been reported in the literature in individuals affected with FGFR1-related conditions. An algorithm developed to predict the effect of missense changes on protein structure and function (PolyPhen-2) suggests that this variant is likely to be disruptive. In summary, the available evidence is currently insufficient to determine the role of this variant in disease. Therefore, it has been classified as a Variant of Uncertain Significance.